The following is an entry in ClinVar:

NM_013276.4(SHPK):c.331G>A (p.Gly111Arg)

Genes: SHPK (sedoheptulokinase; minus strand), LOC126862464 (MED14-independent group 3 enhancer GRCh37_chr17:3526895-3528094; plus strand). Cytogenetic location: 17p13.2.
Variant type: single nucleotide variant.
Coding change: c.331G>A on transcript NM_013276.4 (MANE Select); coding-DNA position 331, G replaced by A.
Protein change: p.Gly111Arg; replaces glycine 111 with arginine.
Molecular consequence: missense variant.
Genome position (GRCh38, 1-based): chr17:3,624,211, C>T on the plus strand (G>A on the coding strand, the complement: SHPK is on the minus strand). VCF-style: chr17-3624211-C-T. GRCh37 (hg19) VCF-style: chr17-3527505-C-T.
Other names: short protein forms G111R.
Identifiers: ClinVar variation 2892031 (VCV002892031.3), dbSNP rs780592416, ClinGen allele CA8291362.

ClinVar aggregate classification (germline): Uncertain significance (1 of 4 stars; one submission).

Allele frequency attached by ClinVar (database versions not stated): gnomAD 0.00010; ExAC 0.00016; TOPMed 0.00011.
gnomAD v4.1: 308 of 1,612,328 alleles (0.019%); highest among the groups gnomAD compares: Non-Finnish European, 0.025%; 2 homozygotes.

Submission:

Labcorp Genetics (formerly Invitae), Labcorp
Classification: Uncertain significance. Last evaluated: 2026-01-05. Review status: criteria provided, single submitter. Criteria: Invitae Variant Classification Sherloc (09022015). Collection method: clinical testing. Allele origin: germline.
Comment: This sequence change replaces glycine, which is neutral and non-polar, with arginine, which is basic and polar, at codon 111 of the SHPK protein (p.Gly111Arg). This variant is present in population databases (rs780592416, gnomAD 0.03%). This variant has not been reported in the literature in individuals affected with SHPK-related conditions. ClinVar contains an entry for this variant (Variation ID: 2892031). An algorithm developed to predict the effect of missense changes on protein structure and function outputs the following: PolyPhen-2: "Benign". The arginine amino acid residue is found in multiple mammalian species, which suggests that this missense change does not adversely affect protein function. In summary, the available evidence is currently insufficient to determine the role of this variant in disease. Therefore, it has been classified as a Variant of Uncertain Significance.